The following is an entry in ClinVar:

NM_001349253.2(SCN11A):c.281T>C (p.Leu94Ser)

Gene: SCN11A (sodium voltage-gated channel alpha subunit 11; minus strand). Cytogenetic location: 3p22.2.
Variant type: single nucleotide variant.
Coding change: c.281T>C on transcript NM_001349253.2 (MANE Select); coding-DNA position 281, T replaced by C.
Protein change: p.Leu94Ser; replaces leucine 94 with serine.
Molecular consequence: missense variant.
Genome position (GRCh38, 1-based): chr3:38,946,894, A>G on the plus strand (T>C on the coding strand, the complement: SCN11A is on the minus strand). VCF-style: chr3-38946894-A-G. GRCh37 (hg19) VCF-style: chr3-38988385-A-G.
Other names: c.281T>C, p.Leu94Ser (NM_014139.3); short protein forms L94S.
Identifiers: ClinVar variation 1348035 (VCV001348035.8), dbSNP rs970238537, ClinGen allele CA72991851.
Genomic context (GRCh38, chr3:38,946,894, plus strand): 5'-GGCCCAAAAATGAACAAGGCATGCTTGGCACTGAAGCGGTAGATTGTCCTCTTTCTGTTT[A>G]ACACCATAAATGTCTGCAAAACAAAAAAAACAATACAAGAAAACACACACATACACAACA-3'
Protein context (NP_001336182.1, residues 84-104): FYRNHKTFMV[Leu94Ser]NRKRTIYRFS

ClinVar aggregate classification (germline): Uncertain significance (1 of 4 stars; one submission).

Conditions:
Hereditary sensory and autonomic neuropathy type 7. Also called: HSAN VII; Neuropathy, hereditary sensory and autonomic, type VII. Identifiers: Orphanet 391397, MedGen C3809882, MONDO:0014244, OMIM 615548.
Familial episodic pain syndrome with predominantly lower limb involvement. Also called: Episodic pain syndrome, familial, 3. Identifiers: Orphanet 391384, Orphanet 391392, MedGen C3809899, MONDO:0014247, OMIM 615552.

Allele frequency attached by ClinVar (database versions not stated): gnomAD 0.00001; TOPMed 0.00001; gnomAD exomes below 0.00001 and 0.00001.
gnomAD v4.1: 12 of 1,608,912 alleles (0.00075%); highest among the groups gnomAD compares: African/African-American, 0.0013%; no homozygotes.

Submission:

Labcorp Genetics (formerly Invitae), Labcorp
Classification: Uncertain significance for Familial episodic pain syndrome with predominantly lower limb involvement; Hereditary sensory and autonomic neuropathy type 7. Last evaluated: 2025-05-11. Review status: criteria provided, single submitter. Criteria: Invitae Variant Classification Sherloc (09022015). Collection method: clinical testing. Allele origin: germline.
Comment: This sequence change replaces leucine, which is neutral and non-polar, with serine, which is neutral and polar, at codon 94 of the SCN11A protein (p.Leu94Ser). This variant is present in population databases (no rsID available, gnomAD 0.002%). This variant has not been reported in the literature in individuals affected with SCN11A-related conditions. ClinVar contains an entry for this variant (Variation ID: 1348035). Invitae Evidence Modeling of protein sequence and biophysical properties (such as structural, functional, and spatial information, amino acid conservation, physicochemical variation, residue mobility, and thermodynamic stability) indicates that this missense variant is expected to disrupt SCN11A protein function with a positive predictive value of 80%. In summary, the available evidence is currently insufficient to determine the role of this variant in disease. Therefore, it has been classified as a Variant of Uncertain Significance.